The following is an entry in ClinVar:

ClinVar aggregate classification (germline): Uncertain significance (1 of 4 stars; one submission).

Conditions:
Peroxisome biogenesis disorder 7A (Zellweger). Also called: Peroxisome biogenesis disorder 7A. Identifiers: Orphanet 912, MedGen C3888385, MONDO:0013938, OMIM 614872.
Peroxisome biogenesis disorder 7B (PBD7B). Identifiers: Orphanet 44, MedGen C3553951, MONDO:0013939, OMIM 614873.

Allele frequency attached by ClinVar (database versions not stated): gnomAD 0.00001; gnomAD exomes 0.00001.

Submission:

Labcorp Genetics (formerly Invitae), Labcorp
Classification: Uncertain significance for Peroxisome biogenesis disorder 7A (Zellweger); Peroxisome biogenesis disorder 7B. Last evaluated: 2024-02-24. Review status: criteria provided, single submitter. Criteria: Invitae Variant Classification Sherloc (09022015). Collection method: clinical testing. Allele origin: germline.
Comment: This sequence change replaces proline, which is neutral and non-polar, with serine, which is neutral and polar, at codon 113 of the PEX26 protein (p.Pro113Ser). This variant is present in population databases (no rsID available, gnomAD 0.0009%). This variant has not been reported in the literature in individuals affected with PEX26-related conditions. ClinVar contains an entry for this variant (Variation ID: 2062399). Advanced modeling of protein sequence and biophysical properties (such as structural, functional, and spatial information, amino acid conservation, physicochemical variation, residue mobility, and thermodynamic stability) performed at Invitae indicates that this missense variant is expected to disrupt PEX26 protein function with a positive predictive value of 80%. In summary, the available evidence is currently insufficient to determine the role of this variant in disease. Therefore, it has been classified as a Variant of Uncertain Significance.

NM_001127649.3(PEX26):c.337C>T (p.Pro113Ser)

Gene: PEX26 (peroxisomal biogenesis factor 26; plus strand). Cytogenetic location: 22q11.21.
Variant type: single nucleotide variant.
Coding change: c.337C>T on transcript NM_001127649.3 (MANE Select); coding-DNA position 337, C replaced by T.
Protein change: p.Pro113Ser; replaces proline 113 with serine.
Molecular consequence: missense variant.
Genome position (GRCh38, 1-based): chr22:18,079,980, C>T. VCF-style: chr22-18079980-C-T. GRCh37 (hg19) VCF-style: chr22-18562746-C-T.
Other names: c.337C>T, p.Pro113Ser (NM_001199319.2, NM_017929.6); short protein forms P113S.
Identifiers: ClinVar variation 2062399 (VCV002062399.3), dbSNP rs1310393810, ClinGen allele CA410265845.